The following is an entry in ClinVar:

ClinVar aggregate classification (germline): Uncertain significance (1 of 4 stars; one submission).

Allele frequency attached by ClinVar (database versions not stated): gnomAD 0.00001 and 0.00002; gnomAD exomes 0.00001 and 0.00002; ExAC 0.00002; TOPMed 0.00003; 1000 Genomes Project 0.00020; 1000 Genomes Project 30x 0.00031.
gnomAD v4.1: 23 of 1,613,974 alleles (0.0014%); highest among the groups gnomAD compares: Middle Eastern, 0.017%; no homozygotes.

Submission:

Labcorp Genetics (formerly Invitae), Labcorp
Classification: Uncertain significance. Last evaluated: 2022-06-10. Review status: criteria provided, single submitter. Criteria: Invitae Variant Classification Sherloc (09022015). Collection method: clinical testing. Allele origin: germline.
Comment: This sequence change replaces arginine, which is basic and polar, with cysteine, which is neutral and slightly polar, at codon 1708 of the LRP2 protein (p.Arg1708Cys). This variant is present in population databases (rs189235560, gnomAD 0.01%). This variant has not been reported in the literature in individuals affected with LRP2-related conditions. Algorithms developed to predict the effect of missense changes on protein structure and function (SIFT, PolyPhen-2, Align-GVGD) all suggest that this variant is likely to be tolerated. In summary, the available evidence is currently insufficient to determine the role of this variant in disease. Therefore, it has been classified as a Variant of Uncertain Significance.

NM_004525.3(LRP2):c.5122C>T (p.Arg1708Cys)

Gene: LRP2 (LDL receptor related protein 2; minus strand). Cytogenetic location: 2q31.1.
Variant type: single nucleotide variant.
Coding change: c.5122C>T on transcript NM_004525.3 (MANE Select); coding-DNA position 5122, C replaced by T.
Protein change: p.Arg1708Cys; replaces arginine 1708 with cysteine.
Molecular consequence: missense variant.
Genome position (GRCh38, 1-based): chr2:169,231,819, G>A on the plus strand (C>T on the coding strand, the complement: LRP2 is on the minus strand). VCF-style: chr2-169231819-G-A. GRCh37 (hg19) VCF-style: chr2-170088329-G-A.
Other names: short protein forms R1708C.
Identifiers: ClinVar variation 1525533 (VCV001525533.5), dbSNP rs189235560, ClinGen allele CA1954604.